The following is an entry in ClinVar:

ClinVar aggregate classification (germline): Uncertain significance (1 of 4 stars; one submission).

Allele frequency attached by ClinVar (database versions not stated): gnomAD exomes below 0.00001.
gnomAD v4.1: 3 of 1,614,148 alleles (0.00019%); highest among the groups gnomAD compares: Non-Finnish European, 0.00025%; no homozygotes.

Submission:

Labcorp Genetics (formerly Invitae), Labcorp
Classification: Uncertain significance. Last evaluated: 2023-01-24. Review status: criteria provided, single submitter. Criteria: Invitae Variant Classification Sherloc (09022015). Collection method: clinical testing. Allele origin: germline.
Comment: In summary, the available evidence is currently insufficient to determine the role of this variant in disease. Therefore, it has been classified as a Variant of Uncertain Significance. Advanced modeling of protein sequence and biophysical properties (such as structural, functional, and spatial information, amino acid conservation, physicochemical variation, residue mobility, and thermodynamic stability) performed at Invitae indicates that this missense variant is expected to disrupt FOXRED1 protein function. This variant has not been reported in the literature in individuals affected with FOXRED1-related conditions. This variant is not present in population databases (gnomAD no frequency). This sequence change replaces glycine, which is neutral and non-polar, with arginine, which is basic and polar, at codon 47 of the FOXRED1 protein (p.Gly47Arg).

NM_017547.4(FOXRED1):c.139G>A (p.Gly47Arg)

Gene: FOXRED1 (FAD dependent oxidoreductase domain containing 1; plus strand). Cytogenetic location: 11q24.2.
Variant type: single nucleotide variant.
Coding change: c.139G>A on transcript NM_017547.4 (MANE Select); coding-DNA position 139, G replaced by A.
Protein change: p.Gly47Arg; replaces glycine 47 with arginine.
Molecular consequence: missense variant. On other transcripts: non-coding transcript variant (1).
Genome position (GRCh38, 1-based): chr11:126,271,490, G>A. VCF-style: chr11-126271490-G-A. GRCh37 (hg19) VCF-style: chr11-126141385-G-A.
Other names: short protein forms G47R.
Identifiers: ClinVar variation 2079248 (VCV002079248.4), dbSNP rs2497167746, ClinGen allele CA383228992.